The following is an entry in ClinVar:

ClinVar aggregate classification (germline): Conflicting classifications of pathogenicity. Review status: criteria provided, conflicting classifications (1 of 4 stars). 7 submissions from 7 submitters: Uncertain significance (4); Likely benign (3). Last evaluated 2025-12-22.

Conditions:
ATM-related disorder. Also called: ATM-related disorders; ATM-related condition.
Familial colorectal cancer type X. Identifiers: Orphanet 440437, MedGen C3896578, MONDO:0018604.
Hereditary cancer-predisposing syndrome. Also called: Neoplastic Syndromes, Hereditary; Hereditary Cancer Syndrome; Tumor predisposition; Hereditary neoplastic syndrome. Identifiers: Orphanet 140162, MedGen C0027672, MeSH D009386, MONDO:0015356.
Familial cancer of breast. Also called: Hereditary breast cancer; BREAST CANCER, FAMILIAL; hereditary breast carcinoma. Identifiers: Orphanet 227535, MedGen C0346153, MONDO:0016419, OMIM 114480. Disease mechanism: loss of function.
Ataxia-telangiectasia syndrome (AT). Also called: LOUIS-BAR SYNDROME; Cerebello-oculocutaneous telangiectasia; Immunodeficiency with ataxia telangiectasia; Ataxia-telangiectasia, complementation group D; AT, COMPLEMENTATION GROUP C; Ataxia-telangiectasia, complementation group E. Identifiers: Orphanet 100, MedGen C0004135, MONDO:0008840, OMIM 208900.

Allele frequency attached by ClinVar (database versions not stated): gnomAD 0.00003 and 0.00004; gnomAD exomes 0.00003 and 0.00005; ExAC 0.00005; TOPMed 0.00002.

Submissions (7):

Labcorp Genetics (formerly Invitae), Labcorp
Classification: Likely benign for Ataxia-telangiectasia syndrome. Last evaluated: 2025-12-22. Review status: criteria provided, single submitter. Criteria: Invitae Variant Classification Sherloc (09022015). Collection method: clinical testing. Allele origin: germline.

Center for Genomic Medicine, Rigshospitalet, Copenhagen University Hospital
Classification: Uncertain significance. Last evaluated: 2025-03-04. Review status: criteria provided, single submitter. Criteria: ACMG Guidelines, 2015. Collection method: clinical testing. Allele origin: germline.

GeneDx
Classification: Uncertain significance. Last evaluated: 2024-11-08. Review status: criteria provided, single submitter. Criteria: GeneDx Variant Classification Process June 2021. Collection method: clinical testing. Allele origin: germline. Affected: yes.
Comment: Not observed at significant frequency in large population cohorts (gnomAD); In silico analysis supports a deleterious effect on splicing; Has not been previously published as pathogenic or benign to our knowledge

Myriad Genetics, Inc.
Classification: Likely benign for Familial cancer of breast. Last evaluated: 2024-06-19. Review status: criteria provided, single submitter. Criteria: Myriad Autosomal Dominant, Autosomal Recessive and X-Linked Classification Criteria (2023). Collection method: clinical testing. Allele origin: unknown.
Comment: This variant is considered likely benign. This variant is intronic and is not expected to impact mRNA splicing. This variant is strongly associated with less severe personal and family histories of cancer, typical for individuals without pathogenic variants in this gene [PMID: 25085752].

PreventionGenetics, part of Exact Sciences
Classification: Uncertain significance for ATM-related condition. Last evaluated: 2022-10-18. Review status: criteria provided, single submitter. Criteria: ACMG Guidelines, 2015. Collection method: clinical testing. Allele origin: germline.
Comment: The ATM c.8419-16_8419-13delTATT variant is predicted to result in an intronic deletion. To our knowledge, this variant has not been reported in the literature. This variant is reported in 0.0084% of alleles in individuals of African descent in gnomAD. At this time, the clinical significance of this variant is uncertain due to the absence of conclusive functional and genetic evidence.

Department of Pathology and Laboratory Medicine, Sinai Health System
Classification: Uncertain significance for Familial colorectal cancer type X. Last evaluated: 2022-08-31. Review status: criteria provided, single submitter. Criteria: ACMG Guidelines, 2015. Collection method: clinical testing. Allele origin: germline. Affected: yes.

Color Diagnostics, LLC DBA Color Health
Classification: Likely benign for Hereditary cancer-predisposing syndrome. Last evaluated: 2016-04-28. Review status: criteria provided, single submitter. Criteria: ACMG Guidelines, 2015. Collection method: clinical testing. Allele origin: germline.

Literature cited by the submitters: PubMed 25085752 (cited by Myriad Genetics, Inc.).

NM_000051.4(ATM):c.8419-16_8419-13del

Genes: ATM (ATM serine/threonine kinase; plus strand), C11orf65 (chromosome 11 open reading frame 65; minus strand). Cytogenetic location: 11q22.3.
Variant type: Deletion.
Coding change: c.8419-16_8419-13del on transcript NM_000051.4 (MANE Select); 16 bases into the intron before coding-DNA position 8419 through 13 bases into the intron before coding-DNA position 8419, 4 bases deleted (TATT; older notation c.8419-16_8419-13delTATT).
Molecular consequence: intron variant.
Genome position (GRCh38, 1-based): chr11:108,345,727-108,345,730, TATT deleted. VCF-style (leftmost placement, unchanged base first): chr11-108345726-ATATT-A. GRCh37 (hg19) VCF-style: chr11-108216453-ATATT-A.
Other names: c.8419-16_8419-13delTATT (NM_000051.3, NM_000051.4); c.8419-16_8419-13del (NM_001351834.2); c.641-36659_641-36656del (NM_001330368.2); c.695-10438_695-10435del (NM_001351110.2).
Identifiers: ClinVar variation 420300 (VCV000420300.24), dbSNP rs774275044, ClinGen allele CA6266368.